The following is an entry in ClinVar:

ClinVar aggregate classification (germline): Conflicting classifications of pathogenicity. Review status: criteria provided, conflicting classifications (1 of 4 stars). 2 submissions from 2 submitters: Uncertain significance (1); Likely benign (1). Last evaluated 2025-05-27.

Conditions:
Hereditary breast ovarian cancer syndrome. Also called: Hereditary breast and ovarian cancer syndrome (HBOC); Hereditary breast and ovarian cancer syndrome; Breast and ovarian cancer; Hereditary breast and/or ovarian cancer syndrome; Hereditary breast and ovarian cancer; BRCA1- and BRCA2-Associated Hereditary Breast and Ovarian Cancer. Identifiers: Orphanet 145, MedGen C0677776, MeSH D061325, MONDO:0003582. Disease mechanism: loss of function.
Hereditary cancer-predisposing syndrome. Also called: Neoplastic Syndromes, Hereditary; Hereditary Cancer Syndrome; Hereditary neoplastic syndrome; Tumor predisposition. Identifiers: Orphanet 140162, MedGen C0027672, MeSH D009386, MONDO:0015356.

Allele frequency attached by ClinVar (database versions not stated): gnomAD exomes below 0.00001; ExAC 0.00001.

Submissions (2):

Labcorp Genetics (formerly Invitae), Labcorp
Classification: Uncertain significance for Hereditary breast ovarian cancer syndrome. Last evaluated: 2025-05-27. Review status: criteria provided, single submitter. Criteria: Invitae Variant Classification Sherloc (09022015). Collection method: clinical testing. Allele origin: germline.
Comment: This sequence change replaces lysine, which is basic and polar, with arginine, which is basic and polar, at codon 1474 of the BRCA2 protein (p.Lys1474Arg). This variant is present in population databases (rs780660669, gnomAD 0.0009%). This variant has not been reported in the literature in individuals affected with BRCA2-related conditions. ClinVar contains an entry for this variant (Variation ID: 462337). Invitae Evidence Modeling of protein sequence and biophysical properties (such as structural, functional, and spatial information, amino acid conservation, physicochemical variation, residue mobility, and thermodynamic stability) indicates that this missense variant is not expected to disrupt BRCA2 protein function with a negative predictive value of 95%. In summary, the available evidence is currently insufficient to determine the role of this variant in disease. Therefore, it has been classified as a Variant of Uncertain Significance.

University of Washington Department of Laboratory Medicine, University of Washington
Classification: Likely benign for Hereditary cancer-predisposing syndrome. Last evaluated: 2023-03-23. Review status: criteria provided, single submitter. Criteria: Dines et al. (Genet Med. 2020). Collection method: curation. Allele origin: germline.
Comment: Missense variant in a coldspot region where missense variants are very unlikely to be pathogenic (PMID:31911673).

BRCA2 exon 11 coldspot. Reclassification based on statistical prior probability.

NM_000059.4(BRCA2):c.4421A>G (p.Lys1474Arg)

Gene: BRCA2 (BRCA2 DNA repair associated; plus strand). Cytogenetic location: 13q13.1.
Variant type: single nucleotide variant.
Coding change: c.4421A>G on transcript NM_000059.4 (MANE Select); coding-DNA position 4421, A replaced by G.
Protein change: p.Lys1474Arg; replaces lysine 1474 with arginine.
Molecular consequence: missense variant.
Genome position (GRCh38, 1-based): chr13:32,338,776, A>G. VCF-style: chr13-32338776-A-G. GRCh37 (hg19) VCF-style: chr13-32912913-A-G.
Other names: short protein forms K1474R.
Identifiers: ClinVar variation 462337 (VCV000462337.10), dbSNP rs780660669, ClinGen allele CA6940779.